The following is an entry in ClinVar:

NM_006361.6(HOXB13):c.518C>T (p.Ala173Val)

Gene: HOXB13 (homeobox B13; minus strand). Cytogenetic location: 17q21.32.
Variant type: single nucleotide variant.
Coding change: c.518C>T on transcript NM_006361.6 (MANE Select); coding-DNA position 518, C replaced by T.
Protein change: p.Ala173Val; replaces alanine 173 with valine.
Molecular consequence: missense variant.
Genome position (GRCh38, 1-based): chr17:48,728,076, G>A on the plus strand (C>T on the coding strand, the complement: HOXB13 is on the minus strand). VCF-style: chr17-48728076-G-A. GRCh37 (hg19) VCF-style: chr17-46805438-G-A.
Other names: short protein forms A173V.
Identifiers: ClinVar variation 1013920 (VCV001013920.10), dbSNP rs2038231316, ClinGen allele CA400107279.

ClinVar aggregate classification (germline): Uncertain significance. Review status: criteria provided, multiple submitters, no conflicts (2 of 4 stars). 2 submissions from 2 submitters: Uncertain significance (2). Last evaluated 2025-09-04.

Conditions:
Hereditary cancer-predisposing syndrome. Also called: Hereditary Cancer Syndrome; Tumor predisposition; Neoplastic Syndromes, Hereditary; Hereditary neoplastic syndrome. Identifiers: Orphanet 140162, MedGen C0027672, MeSH D009386, MONDO:0015356.

Allele frequency attached by ClinVar (database versions not stated): TOPMed below 0.00001.
gnomAD v4.1: 2 of 1,614,232 alleles (0.00012%); highest among the groups gnomAD compares: Non-Finnish European, 0.00017%; no homozygotes.

Submissions (2):

Labcorp Genetics (formerly Invitae), Labcorp
Classification: Uncertain significance. Last evaluated: 2025-09-04. Review status: criteria provided, single submitter. Criteria: Invitae Variant Classification Sherloc (09022015). Collection method: clinical testing. Allele origin: germline.
Comment: This sequence change replaces alanine, which is neutral and non-polar, with valine, which is neutral and non-polar, at codon 173 of the HOXB13 protein (p.Ala173Val). This variant is not present in population databases (gnomAD no frequency). This variant has not been reported in the literature in individuals affected with HOXB13-related conditions. ClinVar contains an entry for this variant (Variation ID: 1013920). Invitae Evidence Modeling of protein sequence and biophysical properties (such as structural, functional, and spatial information, amino acid conservation, physicochemical variation, residue mobility, and thermodynamic stability) indicates that this missense variant is not expected to disrupt HOXB13 protein function with a negative predictive value of 80%. In summary, the available evidence is currently insufficient to determine the role of this variant in disease. Therefore, it has been classified as a Variant of Uncertain Significance.

Ambry Genetics
Classification: Uncertain significance for Hereditary cancer-predisposing syndrome. Last evaluated: 2024-08-01. Review status: criteria provided, single submitter. Criteria: Ambry Variant Classification Scheme 2023. Collection method: clinical testing. Allele origin: germline.
Comment: The p.A173V variant (also known as c.518C>T), located in coding exon 1 of the HOXB13 gene, results from a C to T substitution at nucleotide position 518. The alanine at codon 173 is replaced by valine, an amino acid with similar properties. This amino acid position is conserved. In addition, the in silico prediction for this alteration is inconclusive. Since supporting evidence is limited at this time, the clinical significance of this alteration remains unclear.